The following is an entry in ClinVar:

ClinVar aggregate classification (germline): Likely benign. Review status: criteria provided, multiple submitters, no conflicts (2 of 4 stars). 2 submissions from 2 submitters: Likely benign (2). Last evaluated 2026-09-01.

Allele frequency attached by ClinVar (database versions not stated): TOPMed 0.00001.
gnomAD v4.1: 11 of 1,614,074 alleles (0.00068%); highest among the groups gnomAD compares: Admixed American, 0.017%; no homozygotes.

Submissions (2):

CeGaT Center for Human Genetics Tuebingen
Classification: Likely benign. Last evaluated: 2026-09-01. Review status: criteria provided, single submitter. Criteria: CeGaT Center For Human Genetics Tuebingen Variant Classification Criteria Version 2. Collection method: clinical testing. Allele origin: germline. Affected: yes. Observed: 1 variant allele.
Comment: ANK3: BP4, BP7

Labcorp Genetics (formerly Invitae), Labcorp
Classification: Likely benign. Last evaluated: 2023-05-24. Review status: criteria provided, single submitter. Criteria: Invitae Variant Classification Sherloc (09022015). Collection method: clinical testing. Allele origin: germline.

NM_020987.5(ANK3):c.11808G>A (p.Gly3936=)

Gene: ANK3 (ankyrin 3; minus strand). Cytogenetic location: 10q21.2.
Variant type: single nucleotide variant.
Coding change: c.11808G>A on transcript NM_020987.5 (MANE Select); coding-DNA position 11808, G replaced by A.
Protein change: p.Gly3936=; no amino-acid change (glycine 3936 retained).
Molecular consequence: synonymous variant. On other transcripts: intron variant (4).
Genome position (GRCh38, 1-based): chr10:60,069,073, C>T on the plus strand (G>A on the coding strand, the complement: ANK3 is on the minus strand). VCF-style: chr10-60069073-C-T. GRCh37 (hg19) VCF-style: chr10-61828831-C-T.
Other names: c.4388-1064G>A (NM_001204403.2); c.4409-1064G>A (NM_001204404.2); c.4406-1064G>A (NM_001320874.2); c.1808-1064G>A (NM_001149.4).
Identifiers: ClinVar variation 3018715 (VCV003018715.4), dbSNP rs1339421179, ClinGen allele CA469989613.